The following is an entry in ClinVar:

ClinVar aggregate classification (germline): Likely benign (0 of 4 stars; one submission).

Conditions:
PKD1-related disorder. Also called: PKD1-related condition.

Allele frequency attached by ClinVar (database versions not stated): 1000 Genomes Project 0.00040; 1000 Genomes Project 30x 0.00047.
gnomAD v4.1: 54 of 1,518,878 alleles (0.0036%); highest among the groups gnomAD compares: East Asian, 0.09%; no homozygotes.

Submission:

PreventionGenetics, part of Exact Sciences
Classification: Likely benign for PKD1-related condition. Last evaluated: 2024-01-04. Review status: no assertion criteria provided. Collection method: clinical testing. Allele origin: germline.
Comment: This variant is classified as likely benign based on ACMG/AMP sequence variant interpretation guidelines (Richards et al. 2015 PMID: 25741868, with internal and published modifications).

NM_001009944.3(PKD1):c.11592C>T (p.His3864=)

Genes: PKD1 (polycystin 1, transient receptor potential channel interacting; minus strand), PKD1-AS1 (PKD1 antisense RNA 1; plus strand). Cytogenetic location: 16p13.3.
Variant type: single nucleotide variant.
Coding change: c.11592C>T on transcript NM_001009944.3 (MANE Select); coding-DNA position 11592, C replaced by T.
Protein change: p.His3864=; no amino-acid change (histidine 3864 retained).
Molecular consequence: synonymous variant. On other transcripts: non-coding transcript variant (1).
Genome position (GRCh38, 1-based): chr16:2,091,543, G>A on the plus strand (C>T on the coding strand, the complement: PKD1 is on the minus strand). VCF-style: chr16-2091543-G-A. GRCh37 (hg19) VCF-style: chr16-2141544-G-A.
Other names: c.11589C>T, p.His3863= (NM_000296.4).
Identifiers: ClinVar variation 3047488 (VCV003047488.2), dbSNP rs569270149, ClinGen allele CA7829032.